The following is an entry in ClinVar:

NM_201384.3(PLEC):c.4758C>T (p.Ala1586=)

Gene: PLEC (plectin; minus strand). Cytogenetic location: 8q24.3.
Variant type: single nucleotide variant.
Coding change: c.4758C>T on transcript NM_201384.3 (MANE Select); coding-DNA position 4758, C replaced by T.
Protein change: p.Ala1586=; no amino-acid change (alanine 1586 retained).
Molecular consequence: synonymous variant.
Genome position (GRCh38, 1-based): chr8:143,925,171, G>A on the plus strand (C>T on the coding strand, the complement: PLEC is on the minus strand). VCF-style: chr8-143925171-G-A. GRCh37 (hg19) VCF-style: chr8-144999339-G-A.
Other names: c.4839C>T, p.Ala1613= (NM_000445.5); c.4716C>T, p.Ala1572= (NM_201378.4); c.4692C>T, p.Ala1564= (NM_201379.3); c.5169C>T, p.Ala1723= (NM_201380.4); c.4662C>T, p.Ala1554= (NM_201381.3); c.4758C>T, p.Ala1586= (NM_201382.4); c.4770C>T, p.Ala1590= (NM_201383.3).
Identifiers: ClinVar variation 514551 (VCV000514551.10), dbSNP rs782073897, ClinGen allele CA4926548.

ClinVar aggregate classification (germline): Likely benign. Review status: criteria provided, multiple submitters, no conflicts (2 of 4 stars). 3 submissions from 3 submitters: Likely benign (3). Last evaluated 2025-10-29.

Conditions:
Autosomal recessive limb-girdle muscular dystrophy type 2Q (LGMDR17). Also called: MUSCULAR DYSTROPHY, LIMB-GIRDLE, AUTOSOMAL RECESSIVE 17. Identifiers: Orphanet 254361, MedGen C3150989, MONDO:0013390, OMIM 613723.
Epidermolysis bullosa simplex 5C, with pyloric atresia (EBS5C). Also called: Epidermolysis bullosa simplex with pyloric atresia; PLEC-Related Epidermolysis Bullosa with Pyloric Atresia; PLEC1-Related Epidermolysis Bullosa with Pyloric Atresia. Identifiers: Orphanet 158684, MedGen C2677349, MONDO:0012807, OMIM 612138.
Epidermolysis bullosa simplex 5B, with muscular dystrophy (EBS5B). Also called: EPIDERMOLYSIS BULLOSA SIMPLEX AND LIMB-GIRDLE MUSCULAR DYSTROPHY; Epidermolysis bullosa simplex with muscular dystrophy. Identifiers: Orphanet 257, MedGen C2931072, MONDO:0009181, OMIM 226670.
Epidermolysis bullosa simplex with nail dystrophy (EBS5D). Identifiers: MedGen C4225309, MONDO:0014661, OMIM 616487.
Epidermolysis bullosa simplex, Ogna type (EBS5A). Also called: Pidermolysis bullosa simplex 5A, Ogna type; EPIDERMOLYSIS BULLOSA SIMPLEX 5A, OGNA TYPE. Identifiers: Orphanet 79401, MedGen C0432317, MONDO:0007555, OMIM 131950.

gnomAD v4.1: 26 of 1,563,344 alleles (0.0017%); highest among the groups gnomAD compares: East Asian, 0.019%; no homozygotes.

Submissions (3):

Labcorp Genetics (formerly Invitae), Labcorp
Classification: Likely benign for Autosomal recessive limb-girdle muscular dystrophy type 2Q; Epidermolysis bullosa simplex, Ogna type; Epidermolysis bullosa simplex with nail dystrophy; Epidermolysis bullosa simplex 5C, with pyloric atresia; Epidermolysis bullosa simplex 5B, with muscular dystrophy. Last evaluated: 2025-10-29. Review status: criteria provided, single submitter. Criteria: Invitae Variant Classification Sherloc (09022015). Collection method: clinical testing. Allele origin: germline.

GeneDx
Classification: Likely benign. Last evaluated: 2018-01-02. Review status: criteria provided, single submitter. Criteria: GeneDx Variant Classification (06012015). Collection method: clinical testing. Allele origin: germline. Affected: yes.
Comment: This variant is considered likely benign or benign based on one or more of the following criteria: it is a conservative change, it occurs at a poorly conserved position in the protein, it is predicted to be benign by multiple in silico algorithms, and/or has population frequency not consistent with disease.

Breakthrough Genomics
Classification: Likely benign. Review status: criteria provided, single submitter. Criteria: ACMG Guidelines, 2015. Collection method: not provided. Allele origin: germline. Inheritance: Autosomal recessive inheritance. Affected: yes.